The following is an entry in ClinVar:

NM_001355436.2(SPTB):c.2667-2A>G

Gene: SPTB (spectrin beta, erythrocytic; minus strand). Cytogenetic location: 14q23.3.
Variant type: single nucleotide variant.
Coding change: c.2667-2A>G on transcript NM_001355436.2 (MANE Select); the canonical splice acceptor site of the intron before coding-DNA position 2667, A replaced by G.
Molecular consequence: splice acceptor variant.
Genome position (GRCh38, 1-based): chr14:64,791,858, T>C on the plus strand (A>G on the coding strand, the complement: SPTB is on the minus strand). VCF-style: chr14-64791858-T-C. GRCh37 (hg19) VCF-style: chr14-65258576-T-C.
Other names: c.2667-2A>G (NM_001024858.4, NM_001355437.2).
Identifiers: ClinVar variation 2780281 (VCV002780281.3), dbSNP rs2503150817, ClinGen allele CA390015737.
Genomic context (GRCh38, chr14:64,791,858, plus strand): 5'-GGTTCACACCATCAATCTGAGTCATCAAGGTCTTCATCTCCTGGTCCAGGATGTCGAACC[T>C]GATATGGGCAAAGGAAAATATGAGGATGGGTGAGGCGGCAGCAGACATTTCCTTGCCAGT-3'

ClinVar aggregate classification (germline): Likely pathogenic (1 of 4 stars; one submission).

Submission:

Labcorp Genetics (formerly Invitae), Labcorp
Classification: Likely pathogenic. Last evaluated: 2023-12-26. Review status: criteria provided, single submitter. Criteria: Invitae Variant Classification Sherloc (09022015). Collection method: clinical testing. Allele origin: germline.
Comment: This sequence change affects an acceptor splice site in intron 13 of the SPTB gene. It is expected to disrupt RNA splicing. Variants that disrupt the donor or acceptor splice site typically lead to a loss of protein function (PMID: 16199547), and loss-of-function variants in SPTB are known to be pathogenic (PMID: 1391962, 1498324, 8844207, 26830532, 27292444). This variant is not present in population databases (gnomAD no frequency). This variant has not been reported in the literature in individuals affected with SPTB-related conditions. Algorithms developed to predict the effect of sequence changes on RNA splicing suggest that this variant may disrupt the consensus splice site. In summary, the currently available evidence indicates that the variant is pathogenic, but additional data are needed to prove that conclusively. Therefore, this variant has been classified as Likely Pathogenic.

Literature cited by the submitters: PubMed 16199547; PubMed 1391962; PubMed 1498324; PubMed 8844207; PubMed 26830532; PubMed 27292444.